The following is an entry in ClinVar:

NM_020436.5(SALL4):c.485C>T (p.Pro162Leu)

Gene: SALL4 (spalt like transcription factor 4; minus strand). Cytogenetic location: 20q13.2.
Variant type: single nucleotide variant.
Coding change: c.485C>T on transcript NM_020436.5 (MANE Select); coding-DNA position 485, C replaced by T.
Protein change: p.Pro162Leu; replaces proline 162 with leucine.
Molecular consequence: missense variant.
Genome position (GRCh38, 1-based): chr20:51,791,998, G>A on the plus strand (C>T on the coding strand, the complement: SALL4 is on the minus strand). VCF-style: chr20-51791998-G-A. GRCh37 (hg19) VCF-style: chr20-50408537-G-A.
Other names: c.485C>T, p.Pro162Leu (NM_001318031.2); short protein forms P162L.
Identifiers: ClinVar variation 2081692 (VCV002081692.4), dbSNP rs774318830, ClinGen allele CA9912451.

ClinVar aggregate classification (germline): Uncertain significance (1 of 4 stars; one submission).

Conditions:
Duane-radial ray syndrome (DRRS). Also called: ACRORENOOCULAR SYNDROME; DR SYNDROME; DUANE ANOMALY WITH RADIAL RAY ABNORMALITIES AND DEAFNESS; Okihiro Syndrome; Duane-Radial Ray Syndrome/Okihiro Syndrome; Duane-Radial Ray Syndrome (DRRS) / Okihiro Syndrome. Identifiers: Orphanet 93293, Orphanet 959, MedGen C1623209, MONDO:0011812, OMIM 607323. Disease mechanism: gain of function.

Allele frequency attached by ClinVar (database versions not stated): TOPMed 0.00001; ExAC 0.00002; gnomAD 0.00003.
gnomAD v4.1: 20 of 1,614,036 alleles (0.0012%); highest among the groups gnomAD compares: Admixed American, 0.017%; no homozygotes.

Submission:

Labcorp Genetics (formerly Invitae), Labcorp
Classification: Uncertain significance for Duane-radial ray syndrome. Last evaluated: 2025-09-25. Review status: criteria provided, single submitter. Criteria: Invitae Variant Classification Sherloc (09022015). Collection method: clinical testing. Allele origin: germline.
Comment: This sequence change replaces proline, which is neutral and non-polar, with leucine, which is neutral and non-polar, at codon 162 of the SALL4 protein (p.Pro162Leu). This variant is present in population databases (rs774318830, gnomAD 0.009%). This variant has not been reported in the literature in individuals affected with SALL4-related conditions. ClinVar contains an entry for this variant (Variation ID: 2081692). An algorithm developed to predict the effect of missense changes on protein structure and function (PolyPhen-2) suggests that this variant is likely to be tolerated. In summary, the available evidence is currently insufficient to determine the role of this variant in disease. Therefore, it has been classified as a Variant of Uncertain Significance.